The following is an entry in ClinVar:

ClinVar aggregate classification (germline): Uncertain significance (1 of 4 stars; one submission).

Conditions:
Paget disease of bone 2, early-onset (PDB2). Also called: Paget disease of bone 2. Identifiers: MedGen C4085251, MONDO:0011183, OMIM 602080.
Frontotemporal dementia and/or amyotrophic lateral sclerosis 1 (FTDALS1). Also called: Frontotemporal dementia with motor neuron disease 1; C9orf72 Frontotemporal Dementia and/or Amyotrophic Lateral Sclerosis. Identifiers: Orphanet 275872, MedGen C5779877, MONDO:0007105, OMIM 105550.

Submission:

Labcorp Genetics (formerly Invitae), Labcorp
Classification: Uncertain significance for Paget disease of bone 2, early-onset; Frontotemporal dementia and/or amyotrophic lateral sclerosis 1. Last evaluated: 2022-06-27. Review status: criteria provided, single submitter. Criteria: Invitae Variant Classification Sherloc (09022015). Collection method: clinical testing. Allele origin: germline.
Comment: In summary, the available evidence is currently insufficient to determine the role of this variant in disease. Therefore, it has been classified as a Variant of Uncertain Significance. Experimental studies and prediction algorithms are not available or were not evaluated, and the functional significance of this variant is currently unknown. This variant has not been reported in the literature in individuals affected with SQSTM1-related conditions. This variant is a gross deletion of the genomic region encompassing exon(s) 8 of the SQSTM1 gene, which includes the termination codon. This deletion extends beyond the assayed region for this gene and therefore may encompass additional genes. While this deletion is not anticipated to lead to nonsense mediated decay, it is expected to alter mRNA translation or result in a truncated protein product.

NC_000005.9:g.(?_179263416)_(179263593_?)del

Gene: SQSTM1 (sequestosome 1; plus strand). Cytogenetic location: 5q35.3.
Variant type: Deletion.
Identifiers: ClinVar variation 1410877 (VCV001410877.5).